The following is an entry in ClinVar:

ClinVar aggregate classification (germline): Uncertain significance. Review status: criteria provided, multiple submitters, no conflicts (2 of 4 stars). 2 submissions from 2 submitters: Uncertain significance (2). Last evaluated 2021-08-20.

Conditions:
Inborn genetic diseases. Identifiers: MedGen C0950123, MeSH D030342.

Allele frequency attached by ClinVar (database versions not stated): gnomAD exomes below 0.00001 and 0.00001; TOPMed below 0.00001; gnomAD 0.00002.
gnomAD v4.1: 5 of 1,550,744 alleles (0.00032%); highest among the groups gnomAD compares: Admixed American, 0.0098%; no homozygotes.

Submissions (2):

Labcorp Genetics (formerly Invitae), Labcorp
Classification: Uncertain significance. Last evaluated: 2021-08-20. Review status: criteria provided, single submitter. Criteria: Invitae Variant Classification Sherloc (09022015). Collection method: clinical testing. Allele origin: germline.
Comment: This sequence change replaces histidine with arginine at codon 612 of the EYS protein (p.His612Arg). The histidine residue is weakly conserved and there is a small physicochemical difference between histidine and arginine. This variant is not present in population databases (ExAC no frequency). This variant has not been reported in the literature in individuals affected with EYS-related conditions. Algorithms developed to predict the effect of missense changes on protein structure and function (SIFT, PolyPhen-2, Align-GVGD) all suggest that this variant is likely to be tolerated. In summary, the available evidence is currently insufficient to determine the role of this variant in disease. Therefore, it has been classified as a Variant of Uncertain Significance.

Ambry Genetics
Classification: Uncertain significance for Inborn genetic diseases. Last evaluated: 2021-07-26. Review status: criteria provided, single submitter. Criteria: Ambry Variant Classification Scheme 2023. Collection method: clinical testing. Allele origin: germline.

NM_001142800.2(EYS):c.1835A>G (p.His612Arg)

Gene: EYS (eyes shut homolog; minus strand). Cytogenetic location: 6q12.
Variant type: single nucleotide variant.
Coding change: c.1835A>G on transcript NM_001142800.2 (MANE Select); coding-DNA position 1835, A replaced by G.
Protein change: p.His612Arg; replaces histidine 612 with arginine.
Molecular consequence: missense variant.
Genome position (GRCh38, 1-based): chr6:65,296,051, T>C on the plus strand (A>G on the coding strand, the complement: EYS is on the minus strand). VCF-style: chr6-65296051-T-C. GRCh37 (hg19) VCF-style: chr6-66005944-T-C.
Other names: c.1835A>G, p.His612Arg (NM_001292009.2); c.1835A>G (NM_001142800.1); short protein forms H612R.
Identifiers: ClinVar variation 1421066 (VCV001421066.7), dbSNP rs1235347965, ClinGen allele CA364659715.